The following is an entry in ClinVar:

NM_019023.5(PRMT7):c.1126C>T (p.Arg376Trp)

Gene: PRMT7 (protein arginine methyltransferase 7; plus strand). Cytogenetic location: 16q22.1.
Variant type: single nucleotide variant.
Coding change: c.1126C>T on transcript NM_019023.5 (MANE Select); coding-DNA position 1126, C replaced by T.
Protein change: p.Arg376Trp; replaces arginine 376 with tryptophan.
Molecular consequence: missense variant. On other transcripts: non-coding transcript variant (12).
Genome position (GRCh38, 1-based): chr16:68,346,215, C>T. VCF-style: chr16-68346215-C-T. GRCh37 (hg19) VCF-style: chr16-68380118-C-T.
Other names: c.1126C>T, p.Arg376Trp (NM_001378018.1, NM_001290018.2, NM_001351143.3 and 1 more transcripts); c.919C>T, p.Arg307Trp (NM_001378020.1); c.889C>T, p.Arg297Trp (NM_001378021.1, NM_001378022.1, NM_001378023.1); c.976C>T, p.Arg326Trp (NM_001184824.4); short protein forms R297W, R307W, R326W, R376W.
Identifiers: ClinVar variation 3369269 (VCV003369269.2).

ClinVar aggregate classification (germline): Uncertain significance. Review status: criteria provided, multiple submitters, no conflicts (2 of 4 stars). 2 submissions from 2 submitters: Uncertain significance (2). Last evaluated 2025-09-28.

Conditions:
Inborn genetic diseases. Identifiers: MedGen C0950123, MeSH D030342.

gnomAD v4.1: 90 of 1,614,192 alleles (0.0056%); highest among the groups gnomAD compares: African/African-American, 0.021%; no homozygotes.

Submissions (2):

Ambry Genetics
Classification: Uncertain significance for Inborn genetic diseases. Last evaluated: 2025-09-28. Review status: criteria provided, single submitter. Criteria: Ambry Variant Classification Scheme 2023. Collection method: clinical testing. Allele origin: germline.

GeneDx
Classification: Uncertain significance. Last evaluated: 2024-02-13. Review status: criteria provided, single submitter. Criteria: GeneDx Variant Classification Process June 2021. Collection method: clinical testing. Allele origin: germline. Affected: yes.
Comment: In silico analysis supports that this missense variant has a deleterious effect on protein structure/function; Has not been previously published as pathogenic or benign to our knowledge